The following is an entry in ClinVar:

ClinVar aggregate classification (germline): Conflicting classifications of pathogenicity. Review status: criteria provided, conflicting classifications (1 of 4 stars). 5 submissions from 5 submitters: Uncertain significance (4); Likely benign (1). Last evaluated 2026-01-22.

Conditions:
Hereditary cancer-predisposing syndrome. Also called: Neoplastic Syndromes, Hereditary; Tumor predisposition; Hereditary Cancer Syndrome; Hereditary neoplastic syndrome. Identifiers: Orphanet 140162, MedGen C0027672, MeSH D009386, MONDO:0015356.
BRCA2-related cancer predisposition. Identifiers: MedGen CN377758, MONDO:0700269.

Submissions (5):

GeneDx
Classification: Uncertain significance. Last evaluated: 2026-01-22. Review status: criteria provided, single submitter. Criteria: GeneDx Variant Classification Process June 2021. Collection method: clinical testing. Allele origin: germline.
Comment: Not observed at significant frequency in large population cohorts (gnomAD); In silico analysis supports that this missense variant has a deleterious effect on protein structure/function; Has not been previously published as pathogenic or benign to our knowledge; Also known as 2429T>C

All of Us Research Program, National Institutes of Health
Classification: Uncertain significance for BRCA2-related cancer predisposition. Last evaluated: 2024-08-06. Review status: criteria provided, single submitter. Criteria: ACMG Guidelines, 2015. Collection method: clinical testing. Allele origin: germline. Inheritance: Autosomal dominant inheritance. Observed: 1 variant allele, 1 heterozygote.
Comment: This missense variant replaces leucine with serine at codon 734 of the BRCA2 protein. Computational prediction suggests that this variant may not impact protein structure and function (internally defined REVEL score threshold <= 0.5, PMID: 27666373). To our knowledge, functional studies have not been reported for this variant. This variant has not been reported in individuals affected with hereditary cancer in the literature. This variant has not been identified in the general population by the Genome Aggregation Database (gnomAD). The available evidence is insufficient to determine the role of this variant in disease conclusively. Therefore, this variant is classified as a Variant of Uncertain Significance.

This study involves interpretation of variants in research participants for the purpose of population health screening. Participant phenotype was not available at the time of variant classification. Additional details can be found in publication PMID: 35346344, PMCID: PMC8962531

University of Washington Department of Laboratory Medicine, University of Washington
Classification: Likely benign for Hereditary cancer-predisposing syndrome. Last evaluated: 2023-03-23. Review status: criteria provided, single submitter. Criteria: Dines et al. (Genet Med. 2020). Collection method: curation. Allele origin: germline.
Comment: Missense variant in a coldspot region where missense variants are very unlikely to be pathogenic (PMID:31911673).

BRCA2 exon 11 coldspot. Reclassification based on statistical prior probability.

Color Diagnostics, LLC DBA Color Health
Classification: Uncertain significance for Hereditary cancer-predisposing syndrome. Last evaluated: 2022-08-15. Review status: criteria provided, single submitter. Criteria: ACMG Guidelines, 2015. Collection method: clinical testing. Allele origin: germline.
Comment: This missense variant replaces leucine with serine at codon 734 of the BRCA2 protein. Computational prediction suggests that this variant may not impact protein structure and function (internally defined REVEL score threshold <= 0.5, PMID: 27666373). To our knowledge, functional studies have not been reported for this variant. This variant has not been reported in individuals affected with hereditary cancer in the literature. This variant has not been identified in the general population by the Genome Aggregation Database (gnomAD). The available evidence is insufficient to determine the role of this variant in disease conclusively. Therefore, this variant is classified as a Variant of Uncertain Significance.

Ambry Genetics
Classification: Uncertain significance for Hereditary cancer-predisposing syndrome. Last evaluated: 2020-12-09. Review status: criteria provided, single submitter. Criteria: Ambry Variant Classification Scheme 2023. Collection method: clinical testing. Allele origin: germline.
Comment: The p.L734S variant (also known as c.2201T>C), located in coding exon 10 of the BRCA2 gene, results from a T to C substitution at nucleotide position 2201. The leucine at codon 734 is replaced by serine, an amino acid with dissimilar properties. This amino acid position is well conserved in available vertebrate species. In addition, the in silico prediction for this alteration is inconclusive. Since supporting evidence is limited at this time, the clinical significance of this alteration remains unclear.

NM_000059.4(BRCA2):c.2201T>C (p.Leu734Ser)

Gene: BRCA2 (BRCA2 DNA repair associated; plus strand). Cytogenetic location: 13q13.1.
Variant type: single nucleotide variant.
Coding change: c.2201T>C on transcript NM_000059.4 (MANE Select); coding-DNA position 2201, T replaced by C.
Protein change: p.Leu734Ser; replaces leucine 734 with serine.
Molecular consequence: missense variant.
Genome position (GRCh38, 1-based): chr13:32,336,556, T>C. VCF-style: chr13-32336556-T-C. GRCh37 (hg19) VCF-style: chr13-32910693-T-C.
Other names: c.2201T>C, p.Leu734Ser (NM_001406719.1, NM_001406720.1); short protein forms L734S.
Identifiers: ClinVar variation 1787642 (VCV001787642.8), dbSNP rs2548523378, ClinGen allele CA387770504.
Genomic context (GRCh38, chr13:32,336,556, plus strand): 5'-AAGGACAGTGTGAAAATGATCCAAAAAGCAAAAAAGTTTCAGATATAAAAGAAGAGGTCT[T>C]GGCTGCAGCATGTCACCCAGTACAACATTCAAAAGTGGAATACAGTGATACTGACTTTCA-3'
Protein context (NP_000050.3, residues 724-744): KKVSDIKEEV[Leu734Ser]AAACHPVQHS